The following is an entry in ClinVar:

ClinVar aggregate classification (germline): Uncertain significance (1 of 4 stars; one submission).

Conditions:
Cryopyrin associated periodic syndrome (CAPS). Identifiers: Orphanet 208650, MedGen C2316212, MONDO:0016168.

Submission:

Labcorp Genetics (formerly Invitae), Labcorp
Classification: Uncertain significance for Cryopyrin associated periodic syndrome. Last evaluated: 2025-11-18. Review status: criteria provided, single submitter. Criteria: Invitae Variant Classification Sherloc (09022015). Collection method: clinical testing. Allele origin: germline.
Comment: This sequence change creates a premature translational stop signal (p.Leu358Cysfs*41) in the NLRP3 gene. It is expected to result in an absent or disrupted protein product. However, the current clinical and genetic evidence is not sufficient to establish whether loss-of-function variants in NLRP3 cause disease. This variant is not present in population databases (gnomAD no frequency). This variant has not been reported in the literature in individuals affected with NLRP3-related conditions. In summary, the available evidence is currently insufficient to determine the role of this variant in disease. Therefore, it has been classified as a Variant of Uncertain Significance.

NM_001243133.2(NLRP3):c.1066del (p.Leu356fs)

Gene: NLRP3 (NLR family pyrin domain containing 3; plus strand). Cytogenetic location: 1q44.
Variant type: Deletion.
Coding change: c.1066del on transcript NM_001243133.2 (MANE Select); coding-DNA position 1066, one base deleted (C; older notation c.1066delC).
Protein change: p.Leu356fs; shifts the reading frame from leucine 356.
Molecular consequence: frameshift variant.
Genome position (GRCh38, 1-based): chr1:247,424,515, C deleted. VCF-style (leftmost placement, unchanged base first): chr1-247424514-AC-A. GRCh37 (hg19) VCF-style: chr1-247587816-AC-A.
Other names: c.1066del, p.Leu356fs (NM_001079821.3, NM_001127461.3, NM_001127462.3 and 1 more transcripts); c.1072del, p.Leu358fs (NM_004895.5); short protein forms L356fs, L358fs.
Identifiers: ClinVar variation 4805087 (VCV004805087.1).
Genomic context (GRCh38, chr1:247,424,514, plus strand): 5'-AAAGAAGCTGCTTCCCGAGGCCTCTCTGCTCATCACCACGAGACCTGTGGCCCTGGAGAA[AC>A]TGCAGCACTTGCTGGACCATCCTCGGCATGTGGAGATCCTGGGTTTCTCCGAGGCCAAAA-3'